The following is an entry in ClinVar:

ClinVar aggregate classification (germline): Conflicting classifications of pathogenicity. Review status: criteria provided, conflicting classifications (1 of 4 stars). 8 submissions from 8 submitters: Uncertain significance (7); Benign (1). Last evaluated 2025-11-03.

Conditions:
Familial adenomatous polyposis 2. Also called: COLORECTAL ADENOMATOUS POLYPOSIS, AUTOSOMAL RECESSIVE; MUTYH-related attenuated familial adenomatous polyposis; Adenomas, multiple colorectal; MUTYH-associated polyposis; MUTYH Polyposis; ADENOMAS, MULTIPLE COLORECTAL, AUTOSOMAL RECESSIVE. Identifiers: Orphanet 220460, Orphanet 247798, MedGen C3272841, MONDO:0012041, OMIM 608456.
Gastric cancer. Also called: Stomach cancer; Malignant tumor of stomach. Identifiers: MedGen C0024623, MeSH D013274, MONDO:0001056, OMIM 613659, HP:0012126.
Hereditary cancer-predisposing syndrome. Also called: Tumor predisposition; Hereditary neoplastic syndrome; Hereditary Cancer Syndrome; Neoplastic Syndromes, Hereditary. Identifiers: Orphanet 140162, MedGen C0027672, MeSH D009386, MONDO:0015356.

gnomAD v4.1: 6 of 1,613,040 alleles (0.00037%); highest among the groups gnomAD compares: Non-Finnish European, 0.00051%; no homozygotes.

Submissions (8):

Labcorp Genetics (formerly Invitae), Labcorp
Classification: Uncertain significance for Familial adenomatous polyposis 2. Last evaluated: 2025-11-03. Review status: criteria provided, single submitter. Criteria: Invitae Variant Classification Sherloc (09022015). Collection method: clinical testing. Allele origin: germline.
Comment: This sequence change replaces threonine, which is neutral and polar, with isoleucine, which is neutral and non-polar, at codon 352 of the MUTYH protein (p.Thr352Ile). This variant is present in population databases (rs587781703, gnomAD 0.002%). This variant has not been reported in the literature in individuals affected with MUTYH-related conditions. ClinVar contains an entry for this variant (Variation ID: 485903). An algorithm developed to predict the effect of missense changes on protein structure and function (PolyPhen-2) suggests that this variant is likely to be tolerated. In summary, the available evidence is currently insufficient to determine the role of this variant in disease. Therefore, it has been classified as a Variant of Uncertain Significance.

Ambry Genetics
Classification: Benign for Hereditary cancer-predisposing syndrome. Last evaluated: 2025-08-18. Review status: criteria provided, single submitter. Criteria: Ambry Variant Classification Scheme 2023. Collection method: clinical testing. Allele origin: germline.

Center for Genomic Medicine, Rigshospitalet, Copenhagen University Hospital
Classification: Uncertain significance. Last evaluated: 2025-03-04. Review status: criteria provided, single submitter. Criteria: ACMG Guidelines, 2015. Collection method: clinical testing. Allele origin: germline.

Department of Pathology and Laboratory Medicine, Sinai Health System
Classification: Uncertain significance for Familial adenomatous polyposis 2; Gastric cancer. Last evaluated: 2025-02-11. Review status: criteria provided, single submitter. Criteria: ACMG Guidelines, 2015. Collection method: clinical testing. Allele origin: germline.

Quest Diagnostics Nichols Institute San Juan Capistrano
Classification: Uncertain significance. Last evaluated: 2024-08-08. Review status: criteria provided, single submitter. Criteria: Quest Diagnostics criteria. Collection method: clinical testing. Allele origin: unknown.
Comment: The MUTYH c.1055C>T (p.Thr352Ile) variant has been reported in the published literature in in individuals with breast cancer as well as in reportedly healthy individuals in a large scale breast cancer association study (PMID: 33471991 (2021), see also LOVD). The frequency of this variant in the general population, 0.0000081 (2/247130 chromosomes (Genome Aggregation Database)), is uninformative in the assessment of its pathogenicity. Analysis of this variant using bioinformatics tools for the prediction of the effect of amino acid changes on protein structure and function yielded predictions that this variant is benign. Based on the available information, we are unable to determine the clinical significance of this variant.

All of Us Research Program, National Institutes of Health
Classification: Uncertain significance for Familial adenomatous polyposis 2. Last evaluated: 2024-02-05. Review status: criteria provided, single submitter. Criteria: ACMG Guidelines, 2015. Collection method: clinical testing. Allele origin: germline. Inheritance: Autosomal recessive inheritance. Observed: 2 variant alleles, 2 heterozygotes.
Comment: This missense variant replaces threonine with isoleucine at codon 352 of the MUTYH protein. Computational prediction suggests that this variant may not impact protein structure and function (internally defined REVEL score threshold <= 0.5, PMID: 27666373). To our knowledge, functional studies have not been reported for this variant. In an international breast cancer case-control meta-analysis, this variant was detected in 3/60466 cases and 2/53461 controls (PMID: 33471991). This variant has been identified in 2/247130 chromosomes in the general population by the Genome Aggregation Database (gnomAD). The available evidence is insufficient to determine the role of this variant in disease conclusively. Therefore, this variant is classified as a Variant of Uncertain Significance.

This study involves interpretation of variants in research participants for the purpose of population health screening. Participant phenotype was not available at the time of variant classification. Additional details can be found in publication PMID: 35346344, PMCID: PMC8962531

Color Diagnostics, LLC DBA Color Health
Classification: Uncertain significance for Hereditary cancer-predisposing syndrome. Last evaluated: 2023-06-21. Review status: criteria provided, single submitter. Criteria: ACMG Guidelines, 2015. Collection method: clinical testing. Allele origin: germline.
Comment: This missense variant replaces threonine with isoleucine at codon 352 of the MUTYH protein. Computational prediction suggests that this variant may not impact protein structure and function (internally defined REVEL score threshold <= 0.5, PMID: 27666373). To our knowledge, functional studies have not been reported for this variant. In an international breast cancer case-control meta-analysis, this variant was detected in 3/60466 cases and 2/53461 controls (PMID: 33471991). This variant has been identified in 2/247130 chromosomes in the general population by the Genome Aggregation Database (gnomAD). The available evidence is insufficient to determine the role of this variant in disease conclusively. Therefore, this variant is classified as a Variant of Uncertain Significance.

Sema4
Classification: Uncertain significance for Hereditary cancer-predisposing syndrome. Last evaluated: 2021-10-12. Review status: criteria provided, single submitter. Criteria: Sema4 Curation Guidelines. Collection method: curation. Allele origin: germline.
Comment: The MUTYH c.1055C>T (p.T352I) variant has been reported in 3/60466 breast cancer cases and 2/53461 healthy controls by a large case-control study (PMID: 33471991). This variant was observed in 2/111284 chromosomes in the Non-Finnish European population according to the Genome Aggregation Database (PMID: 32461654). This variant has been reported in ClinVar (Variation ID: 485903). In silico tools suggest the impact of the variant on protein function is benign, though these predictions have not been confirmed by functional studies. The evidence is insufficient to meet ACMG/AMP criteria for classifying the variant as benign or pathogenic. Thus, the clinical significance of this variant is currently uncertain.

Literature cited by the submitters: PubMed 40738107 (cited by Ambry Genetics); PubMed 33471991 (cited by 5 submitters).

NM_001048174.2(MUTYH):c.971C>T (p.Thr324Ile)

Gene: MUTYH (mutY DNA glycosylase; minus strand). Cytogenetic location: 1p34.1.
Variant type: single nucleotide variant.
Coding change: c.971C>T on transcript NM_001048174.2 (MANE Select); coding-DNA position 971, C replaced by T.
Protein change: p.Thr324Ile; replaces threonine 324 with isoleucine.
Molecular consequence: missense variant. On other transcripts: non-coding transcript variant (2).
Genome position (GRCh38, 1-based): chr1:45,331,792, G>A on the plus strand (C>T on the coding strand, the complement: MUTYH is on the minus strand). VCF-style: chr1-45331792-G-A. GRCh37 (hg19) VCF-style: chr1-45797464-G-A.
Other names: c.971C>T, p.Thr324Ile (NM_001048171.2, NM_001048173.2, NM_001293195.2); c.974C>T, p.Thr325Ile (NM_001048172.2); c.1055C>T, p.Thr352Ile (NM_001128425.2); c.1016C>T, p.Thr339Ile (NM_001293190.2); c.1004C>T, p.Thr335Ile (NM_001293191.2); c.695C>T, p.Thr232Ile (NM_001293192.2, NM_001293196.2); c.626C>T, p.Thr209Ile (NM_001350650.2, NM_001350651.2); c.1046C>T, p.Thr349Ile (NM_012222.3); short protein forms T352I, T232I, T349I, T335I, T209I, T339I, T324I, T325I.
Identifiers: ClinVar variation 485903 (VCV000485903.32), dbSNP rs587781703, ClinGen allele CA060230.
Genomic context (GRCh38, chr1:45,331,792, plus strand): 5'-GAGCTCTCCTCCCTGGGGGGCTTGCGGCTGGCCTTTCTGGGGAAGTTGACCACTCCCAGG[G>A]TCTGGTCCCAGGGCTCCGAGGGAGGCAGGCACAGGTGGCACTGTCCAGTGTTGGGAGCTG-3'
Protein context (NP_001041639.1, residues 314-334): CLPPSEPWDQ[Thr324Ile]LGVVNFPRKA